The following is an entry in ClinVar:

ClinVar aggregate classification (germline): Uncertain significance. Review status: criteria provided, multiple submitters, no conflicts (2 of 4 stars). 2 submissions from 2 submitters: Uncertain significance (2). Last evaluated 2023-08-11.

Conditions:
Microcephaly, normal intelligence and immunodeficiency (NBS). Also called: Nijmegen breakage syndrome; Microcephaly with normal intelligence immunodeficiency and lymphoreticular malignancies; Nonsyndromal microcephaly autosomal recessive with normal intelligence; Seemanova syndrome 2; IMMUNODEFICIENCY, MICROCEPHALY, AND CHROMOSOMAL INSTABILITY; SEEMANOVA SYNDROME II. Identifiers: Orphanet 647, MedGen C0398791, MONDO:0009623, OMIM 251260.

Submissions (2):

Labcorp Genetics (formerly Invitae), Labcorp
Classification: Uncertain significance for Microcephaly, normal intelligence and immunodeficiency. Last evaluated: 2023-08-11. Review status: criteria provided, single submitter. Criteria: Invitae Variant Classification Sherloc (09022015). Collection method: clinical testing. Allele origin: germline.
Comment: This variant has not been reported in the literature in individuals affected with NBN-related conditions. This sequence change replaces glutamic acid, which is acidic and polar, with aspartic acid, which is acidic and polar, at codon 179 of the NBN protein (p.Glu179Asp). This variant is not present in population databases (gnomAD no frequency). ClinVar contains an entry for this variant (Variation ID: 1330127). An algorithm developed to predict the effect of missense changes on protein structure and function (PolyPhen-2) suggests that this variant is likely to be disruptive. In summary, the available evidence is currently insufficient to determine the role of this variant in disease. Therefore, it has been classified as a Variant of Uncertain Significance.

Quest Diagnostics Nichols Institute San Juan Capistrano
Classification: Uncertain significance. Last evaluated: 2021-05-17. Review status: criteria provided, single submitter. Criteria: Quest Diagnostics criteria. Collection method: clinical testing. Allele origin: unknown.

NM_002485.5(NBN):c.537A>C (p.Glu179Asp)

Gene: NBN (nibrin; minus strand). Cytogenetic location: 8q21.3.
Variant type: single nucleotide variant.
Coding change: c.537A>C on transcript NM_002485.5 (MANE Select); coding-DNA position 537, A replaced by C.
Protein change: p.Glu179Asp; replaces glutamic acid 179 with aspartic acid.
Molecular consequence: missense variant.
Genome position (GRCh38, 1-based): chr8:89,978,267, T>G on the plus strand (A>C on the coding strand, the complement: NBN is on the minus strand). VCF-style: chr8-89978267-T-G. GRCh37 (hg19) VCF-style: chr8-90990495-T-G.
Other names: c.291A>C, p.Glu97Asp (NM_001024688.3); short protein forms E179D, E97D.
Identifiers: ClinVar variation 1330127 (VCV001330127.4), dbSNP rs1554566673, ClinGen allele CA371660269.